The following is an entry in ClinVar:

NM_000426.4(LAMA2):c.5968G>T (p.Glu1990Ter)

Gene: LAMA2 (laminin subunit alpha 2; plus strand). Cytogenetic location: 6q22.33.
Variant type: single nucleotide variant.
Coding change: c.5968G>T on transcript NM_000426.4 (MANE Select); coding-DNA position 5968, G replaced by T.
Protein change: p.Glu1990Ter; replaces glutamic acid 1990 with a stop codon.
Molecular consequence: nonsense.
Genome position (GRCh38, 1-based): chr6:129,427,854, G>T. VCF-style: chr6-129427854-G-T. GRCh37 (hg19) VCF-style: chr6-129748999-G-T.
Other names: c.5968G>T, p.Glu1990Ter (NM_001079823.2); short protein forms E1990*.
Identifiers: ClinVar variation 943901 (VCV000943901.8), dbSNP rs1376412082, ClinGen allele CA365624084.

ClinVar aggregate classification (germline): Pathogenic (1 of 4 stars; one submission).

Conditions:
LAMA2-related muscular dystrophy (LAMA2-RD). Also called: Laminin alpha 2-related dystrophy. Identifiers: MedGen C5679788, MONDO:0100228.

gnomAD v4.1: 5 of 1,589,608 alleles (0.00031%); highest among the groups gnomAD compares: Non-Finnish European, 0.00043%; no homozygotes.

Submission:

Labcorp Genetics (formerly Invitae), Labcorp
Classification: Pathogenic for LAMA2-related muscular dystrophy. Last evaluated: 2022-06-13. Review status: criteria provided, single submitter. Criteria: Invitae Variant Classification Sherloc (09022015). Collection method: clinical testing. Allele origin: germline.
Comment: This variant is not present in population databases (gnomAD no frequency). This variant has not been reported in the literature in individuals affected with LAMA2-related conditions. ClinVar contains an entry for this variant (Variation ID: 943901). Algorithms developed to predict the effect of sequence changes on RNA splicing suggest that this variant may disrupt the consensus splice site. For these reasons, this variant has been classified as Pathogenic. This sequence change creates a premature translational stop signal (p.Glu1990*) in the LAMA2 gene. It is expected to result in an absent or disrupted protein product. Loss-of-function variants in LAMA2 are known to be pathogenic (PMID: 18700894, 32904964).

Literature cited by the submitters: PubMed 18700894; PubMed 32904964.